The following is an entry in ClinVar:

NM_020745.4(AARS2):c.420G>A (p.Gly140=)

Gene: AARS2 (alanyl-tRNA synthetase 2, mitochondrial; minus strand). Cytogenetic location: 6p21.1.
Variant type: single nucleotide variant.
Coding change: c.420G>A on transcript NM_020745.4 (MANE Select); coding-DNA position 420, G replaced by A.
Protein change: p.Gly140=; no amino-acid change (glycine 140 retained).
Molecular consequence: synonymous variant.
Genome position (GRCh38, 1-based): chr6:44,312,087, C>T on the plus strand (G>A on the coding strand, the complement: AARS2 is on the minus strand). VCF-style: chr6-44312087-C-T. GRCh37 (hg19) VCF-style: chr6-44279824-C-T.
Other names: p.G140G:GGG>GGA.
Identifiers: ClinVar variation 136222 (VCV000136222.15), dbSNP rs75506489, ClinGen allele CA289193.
Genomic context (GRCh38, chr6:44,312,087, plus strand): 5'-AAATTGACTCCCTTCTTGGCTGATCACTGATCCCCAGAGACTCACCTTAAAATATTCACC[C>T]CCAAAGGCCCAATTGCCAAGCATTTCAAAGAAGGTATGATGGGAAAGGTCTCGACCCACA-3'
Protein context (NP_065796.2, residues 130-150): FFEMLGNWAF[Gly140=]GEYFKEEACN

ClinVar aggregate classification (germline): Benign. Review status: criteria provided, multiple submitters, no conflicts (2 of 4 stars). 3 submissions from 3 submitters: Benign (3). Last evaluated 2026-01-27.

Conditions:
Combined oxidative phosphorylation defect type 8. Also called: CARDIOMYOPATHY, HYPERTROPHIC MITOCHONDRIAL, FATAL INFANTILE. Identifiers: Orphanet 319504, MedGen C4518839, MONDO:0013570, OMIM 614096.

Allele frequency attached by ClinVar (database versions not stated): TOPMed 0.01727; gnomAD exomes 0.00410 and 0.00153; gnomAD 0.01565 and 0.01671; ESP Exome Variant Server 0.01699; 1000 Genomes Project 30x 0.02139; 1000 Genomes Project 0.02157; ExAC 0.00503.
gnomAD v4.1: 4,732 of 1,614,182 alleles (0.29%); highest among the groups gnomAD compares: African/African-American, 5.5%; 113 homozygotes.

Submissions (15):

Labcorp Genetics (formerly Invitae), Labcorp
Classification: Benign. Last evaluated: 2026-01-27. Review status: criteria provided, single submitter. Criteria: Invitae Variant Classification Sherloc (09022015). Collection method: clinical testing. Allele origin: germline.

Illumina Laboratory Services, Illumina
Classification: Benign for Combined oxidative phosphorylation defect type 8. Last evaluated: 2018-01-13. Review status: criteria provided, single submitter. Criteria: ICSL Variant Classification Criteria 13 December 2019. Collection method: clinical testing. Allele origin: germline.
Comment: This variant was observed in the ICSL laboratory as part of a predisposition screen in an ostensibly healthy population. It had not been previously curated by ICSL or reported in the Human Gene Mutation Database (HGMD: prior to June 1st, 2018), and was therefore a candidate for classification through an automated scoring system. Utilizing variant allele frequency, disease prevalence and penetrance estimates, and inheritance mode, an automated score was calculated to assess if this variant is too frequent to cause the disease. Based on the score and internal cut-off values, a variant classified as benign is not then subjected to further curation. The score for this variant resulted in a classification of benign for this disease.

GeneDx
Classification: Benign. Last evaluated: 2012-08-08. Review status: criteria provided, single submitter. Criteria: GeneDx Variant Classification (06012015). Collection method: clinical testing. Allele origin: germline. Affected: yes.
Comment: This variant is considered likely benign or benign based on one or more of the following criteria: it is a conservative change, it occurs at a poorly conserved position in the protein, it is predicted to be benign by multiple in silico algorithms, and/or has population frequency not consistent with disease.

Dr. Peter K. Rogan Lab, Western University
No classification provided (evidence only). Condition: Clear cell carcinoma of kidney. Review status: no classification provided. Collection method: in vitro. Allele origin: not applicable. Functional consequence: retained intron. Not counted in ClinVar's aggregate classification.

Dr. Peter K. Rogan Lab, Western University
No classification provided (evidence only). Condition: Clear cell carcinoma of kidney. Review status: no classification provided. Collection method: in vitro. Allele origin: not applicable. Functional consequence: retained intron. Not counted in ClinVar's aggregate classification.

Dr. Peter K. Rogan Lab, Western University
No classification provided (evidence only). Condition: Lung cancer. Review status: no classification provided. Collection method: in vitro. Allele origin: not applicable. Functional consequence: retained intron. Not counted in ClinVar's aggregate classification.

Dr. Peter K. Rogan Lab, Western University
No classification provided (evidence only). Condition: Acute myeloid leukemia. Review status: no classification provided. Collection method: in vitro. Allele origin: not applicable. Functional consequence: retained intron. Not counted in ClinVar's aggregate classification.

Dr. Peter K. Rogan Lab, Western University
No classification provided (evidence only). Condition: Thyroid cancer, nonmedullary, 1. Review status: no classification provided. Collection method: in vitro. Allele origin: not applicable. Functional consequence: retained intron. Not counted in ClinVar's aggregate classification.

Dr. Peter K. Rogan Lab, Western University
No classification provided (evidence only). Condition: Thyroid cancer, nonmedullary, 1. Review status: no classification provided. Collection method: in vitro. Allele origin: not applicable. Functional consequence: retained intron. Not counted in ClinVar's aggregate classification.

Dr. Peter K. Rogan Lab, Western University
No classification provided (evidence only). Condition: Uterine corpus endometrial carcinoma. Review status: no classification provided. Collection method: in vitro. Allele origin: not applicable. Functional consequence: retained intron. Not counted in ClinVar's aggregate classification.

Dr. Peter K. Rogan Lab, Western University
No classification provided (evidence only). Condition: Uterine corpus endometrial carcinoma. Review status: no classification provided. Collection method: in vitro. Allele origin: not applicable. Functional consequence: retained intron. Not counted in ClinVar's aggregate classification.

Dr. Peter K. Rogan Lab, Western University
No classification provided (evidence only). Condition: Cervical cancer. Review status: no classification provided. Collection method: in vitro. Allele origin: not applicable. Functional consequence: retained intron. Not counted in ClinVar's aggregate classification.

Dr. Peter K. Rogan Lab, Western University
No classification provided (evidence only). Condition: Cervical cancer. Review status: no classification provided. Collection method: in vitro. Allele origin: not applicable. Functional consequence: retained intron. Not counted in ClinVar's aggregate classification.

Dr. Peter K. Rogan Lab, Western University
No classification provided (evidence only). Condition: Sarcoma. Review status: no classification provided. Collection method: in vitro. Allele origin: not applicable. Functional consequence: retained intron. Not counted in ClinVar's aggregate classification.

Dr. Peter K. Rogan Lab, Western University
No classification provided (evidence only). Condition: Ovarian serous cystadenocarcinoma. Review status: no classification provided. Collection method: in vitro. Allele origin: not applicable. Functional consequence: retained intron. Not counted in ClinVar's aggregate classification.